The following is an entry in ClinVar:

ClinVar aggregate classification (germline): Uncertain significance. Review status: criteria provided, multiple submitters, no conflicts (2 of 4 stars). 2 submissions from 2 submitters: Uncertain significance (2). Last evaluated 2024-07-02.

Conditions:
Inborn genetic diseases. Identifiers: MedGen C0950123, MeSH D030342.
Hyperphosphatasia with impaired intellectual development syndrome 2. Also called: Hyperphosphatasia with intellectual disability syndrome 2; GLYCOSYLPHOSPHATIDYLINOSITOL BIOSYNTHESIS DEFECT 6. Identifiers: Orphanet 247262, MedGen C3553637, MONDO:0013882, OMIM 614749.

Allele frequency attached by ClinVar (database versions not stated): TOPMed 0.00003; gnomAD 0.00005 and 0.00004; 1000 Genomes Project 0.00040; ExAC 0.00006; gnomAD exomes 0.00004; ESP Exome Variant Server 0.00008; 1000 Genomes Project 30x 0.00031.

Submissions (2):

Ambry Genetics
Classification: Uncertain significance for Inborn genetic diseases. Last evaluated: 2024-07-02. Review status: criteria provided, single submitter. Criteria: Ambry Variant Classification Scheme 2023. Collection method: clinical testing. Allele origin: germline.

Labcorp Genetics (formerly Invitae), Labcorp
Classification: Uncertain significance for Hyperphosphatasia with impaired intellectual development syndrome 2. Last evaluated: 2021-09-01. Review status: criteria provided, single submitter. Criteria: Invitae Variant Classification Sherloc (09022015). Collection method: clinical testing. Allele origin: germline.
Comment: This sequence change replaces alanine with valine at codon 1001 of the PIGO protein (p.Ala1001Val). The alanine residue is weakly conserved and there is a small physicochemical difference between alanine and valine. This variant is present in population databases (rs149391665, ExAC 0.01%). This variant has not been reported in the literature in individuals affected with PIGO-related conditions. ClinVar contains an entry for this variant (Variation ID: 650447). Algorithms developed to predict the effect of missense changes on protein structure and function output the following: SIFT: "Tolerated"; PolyPhen-2: "Benign"; Align-GVGD: "Class C0". The valine amino acid residue is found in multiple mammalian species, which suggests that this missense change does not adversely affect protein function. In summary, the available evidence is currently insufficient to determine the role of this variant in disease. Therefore, it has been classified as a Variant of Uncertain Significance.

NM_032634.4(PIGO):c.3002C>T (p.Ala1001Val)

Gene: PIGO (phosphatidylinositol glycan anchor biosynthesis class O; minus strand). Cytogenetic location: 9p13.3.
Variant type: single nucleotide variant.
Coding change: c.3002C>T on transcript NM_032634.4 (MANE Select); coding-DNA position 3002, C replaced by T.
Protein change: p.Ala1001Val; replaces alanine 1001 with valine.
Molecular consequence: missense variant.
Genome position (GRCh38, 1-based): chr9:35,090,133, G>A on the plus strand (C>T on the coding strand, the complement: PIGO is on the minus strand). VCF-style: chr9-35090133-G-A. GRCh37 (hg19) VCF-style: chr9-35090130-G-A.
Other names: c.1751C>T, p.Ala584Val (NM_001201484.2, NM_152850.4); short protein forms A1001V, A584V.
Identifiers: ClinVar variation 650447 (VCV000650447.9), dbSNP rs149391665, ClinGen allele CA5040279.